The following is an entry in ClinVar:

NM_000218.3(KCNQ1):c.5C>T (p.Ala2Val)

Gene: KCNQ1 (potassium voltage-gated channel subfamily Q member 1; plus strand). Cytogenetic location: 11p15.5.
Variant type: single nucleotide variant.
Coding change: c.5C>T on transcript NM_000218.3 (MANE Select); coding-DNA position 5, C replaced by T.
Protein change: p.Ala2Val; replaces alanine 2 with valine.
Molecular consequence: missense variant.
Genome position (GRCh38, 1-based): chr11:2,445,103, C>T. VCF-style: chr11-2445103-C-T. GRCh37 (hg19) VCF-style: chr11-2466333-C-T.
Other names: p.A2V:GCC>GTC; c.5C>T (LRG_287t1); short protein forms A2V.
Identifiers: ClinVar variation 67091 (VCV000067091.2), dbSNP rs199473442, ClinGen allele CA007692.

ClinVar aggregate classification (germline): Uncertain significance. Review status: criteria provided, single submitter (1 of 4 stars). 2 submissions from 2 submitters: Uncertain significance (1). 1 of the submissions does not count toward it. Last evaluated 2014-05-27.

Conditions:
Familial long QT syndrome (RWS). Also called: Congenital long QT syndrome; Romano-Ward syndrome; VENTRICULAR FIBRILLATION WITH PROLONGED QT INTERVAL. Identifiers: Orphanet 768, MedGen C1141890, MONDO:0019171.

Submissions (2):

GeneDx
Classification: Uncertain significance. Last evaluated: 2014-05-27. Review status: criteria provided, single submitter. Criteria: GeneDx Variant Classification (06012015). Collection method: clinical testing. Allele origin: germline. Affected: yes.
Comment: p.Ala2Val (GCC>GTC): c.5 C>T in exon 1 of the KCNQ1 gene (NM_000218.2). Mutations in the KCNQ1 gene have been reported in approximately 39%-62% of patients with LQTS, and are associated with increased risk of cardiac events triggered by emotion, exercise and vigorous activity, particularly swimming (Priori et al., 2004; Vincent G, 2009). The A2V variant in the KCNQ1 gene has been reported previously as a disease causing mutation in one patient with LQTS, and was not reported in at least 2,600 control alleles (Kapplinger et al., 2009). In addition, the A2V variant was not observed in approximately 1,000 individuals of European and African American ancestry in the NHLBI Exome Sequencing Project, indicating it is not a common benign variant in these populations. Furthermore, missense mutations in nearby residues (M1T, P7S) have been reported in association with KCNQ1-related disorders, supporting the functional importance of this region of the protein. Nevertheless, the A2V variant is a conservative amino acid substitution, which is not likely to impact secondary protein structure as these residues share similar properties. Additionally, this substitution occurs at a position that is not conserved across species. Moreover, in silico analysis predicts this variant likely does not alter the protein structure/function. Therefore, based on the currently available information, it is unclear whether this variant is a pathogenic mutation or a rare benign variant. The variant is found in LQT panel(s).

Cardiovascular Biomedical Research Unit, Royal Brompton & Harefield NHS Foundation Trust
No classification provided. Condition: Familial long QT syndrome. Review status: no classification provided. Collection method: literature only. Allele origin: germline. Not counted in ClinVar's aggregate classification.
Comment: This variant has been reported as associated with Long QT syndrome in the following publications (PMID:19716085;PMID:22429796). This is a literature report, and does not necessarily reflect the clinical interpretation of the Imperial College / Royal Brompton Cardiovascular Genetics laboratory.

Literature cited by the submitters: PubMed 19716085 (cited by Cardiovascular Biomedical Research Unit, Royal Brompton & Harefield NHS Foundation Trust); PubMed 22429796 (cited by Cardiovascular Biomedical Research Unit, Royal Brompton & Harefield NHS Foundation Trust); PubMed 22581653 (cited by Cardiovascular Biomedical Research Unit, Royal Brompton & Harefield NHS Foundation Trust).